The following is an entry in ClinVar:

ClinVar aggregate classification (germline): Benign/Likely benign. Review status: criteria provided, multiple submitters, no conflicts (2 of 4 stars). 9 submissions from 9 submitters: Benign (6); Likely benign (3). Last evaluated 2026-02-01.

Conditions:
Primary ciliary dyskinesia. Also called: Ciliary dyskinesia. Identifiers: Orphanet 244, MedGen C0008780, MONDO:0016575, HP:0012265.
Primary ciliary dyskinesia 15. Also called: CILIARY DYSKINESIA, PRIMARY, 15, WITH OR WITHOUT SITUS INVERSUS. Identifiers: Orphanet 244, MedGen C3151137, MONDO:0013435, OMIM 613808.

Allele frequency attached by ClinVar (database versions not stated): 1000 Genomes Project 30x 0.00437; 1000 Genomes Project 0.00459; TOPMed 0.00920; gnomAD 0.00955 and 0.00983; ESP Exome Variant Server 0.01260.
gnomAD v4.1: 24,149 of 1,614,194 alleles (1.5%); highest among the groups gnomAD compares: Non-Finnish European, 1.9%; 232 homozygotes.

Submissions (9):

Labcorp Genetics (formerly Invitae), Labcorp
Classification: Benign for Primary ciliary dyskinesia. Last evaluated: 2026-02-01. Review status: criteria provided, single submitter. Criteria: Invitae Variant Classification Sherloc (09022015). Collection method: clinical testing. Allele origin: germline.

ARUP Laboratories, Molecular Genetics and Genomics, ARUP Laboratories
Classification: Benign for Primary ciliary dyskinesia 15. Last evaluated: 2025-07-02. Review status: criteria provided, single submitter. Criteria: ARUP Molecular Germline Variant Investigation Process 2024. Collection method: clinical testing. Allele origin: germline.

Blueprint Genetics
Classification: Likely benign. Last evaluated: 2024-11-28. Review status: criteria provided, single submitter. Criteria: ACMG Guidelines, 2015. Collection method: clinical testing. Allele origin: germline.

Mayo Clinic Laboratories, Mayo Clinic
Classification: Benign. Last evaluated: 2023-06-21. Review status: criteria provided, single submitter. Criteria: ACMG Guidelines, 2015. Collection method: clinical testing. Allele origin: germline. Observed: 7 variant alleles.
Comment: BS1, BS2, BP4, BP7

GeneDx
Classification: Likely benign. Last evaluated: 2021-08-03. Review status: criteria provided, single submitter. Criteria: GeneDx Variant Classification Process June 2021. Collection method: clinical testing. Allele origin: germline. Affected: yes.

Illumina Laboratory Services, Illumina
Classification: Likely benign for Primary ciliary dyskinesia 15. Last evaluated: 2018-01-12. Review status: criteria provided, single submitter. Criteria: ICSL Variant Classification Criteria 13 December 2019. Collection method: clinical testing. Allele origin: germline.
Comment: This variant was observed in the ICSL laboratory as part of a predisposition screen in an ostensibly healthy population. It had not been previously curated by ICSL or reported in the Human Gene Mutation Database (HGMD: prior to June 1st, 2018), and was therefore a candidate for classification through an automated scoring system. Utilizing variant allele frequency, disease prevalence and penetrance estimates, and inheritance mode, an automated score was calculated to assess if this variant is too frequent to cause the disease. Based on the score and internal cut-off values, a variant classified as likely benign is not then subjected to further curation. The score for this variant resulted in a classification of likely benign for this disease.

Ambry Genetics
Classification: Benign for Primary ciliary dyskinesia. Last evaluated: 2016-09-28. Review status: criteria provided, single submitter. Criteria: Ambry Variant Classification Scheme 2023. Collection method: clinical testing. Allele origin: germline.

Laboratory for Molecular Medicine, Mass General Brigham Personalized Medicine
Classification: Benign. Last evaluated: 2013-02-21. Review status: criteria provided, single submitter. Criteria: LMM Criteria. Collection method: clinical testing. Allele origin: germline. Observed: 1 variant allele.
Comment: Ile928Ile in exon 17 of CCDC40: This variant is not expected to have clinical significance because it does not alter an amino acid residue and is not located within the splice consensus sequence. It has been identified in 1.6% (132/8296) of European American chromosomes from a broad population by the NHLBI Exome Sequencing Project (dbSNP rs118143944).

PreventionGenetics, part of Exact Sciences
Classification: Benign. Review status: criteria provided, single submitter. Criteria: ACMG Guidelines, 2015. Collection method: clinical testing. Allele origin: germline.

NM_017950.4(CCDC40):c.2784C>T (p.Ile928=)

Gene: CCDC40 (coiled-coil domain 40 molecular ruler complex subunit; plus strand). Cytogenetic location: 17q25.3.
Variant type: single nucleotide variant.
Coding change: c.2784C>T on transcript NM_017950.4 (MANE Select); coding-DNA position 2784, C replaced by T.
Protein change: p.Ile928=; no amino-acid change (isoleucine 928 retained).
Molecular consequence: synonymous variant.
Genome position (GRCh38, 1-based): chr17:80,089,836, C>T. VCF-style: chr17-80089836-C-T. GRCh37 (hg19) VCF-style: chr17-78063635-C-T.
Other names: p.Ile928=; c.2784C>T, p.Ile928= (NM_001243342.2).
Identifiers: ClinVar variation 241237 (VCV000241237.30), dbSNP rs118143944, ClinGen allele CA8814340.